The following is an entry in ClinVar:

NM_000245.4(MET):c.364G>A (p.Val122Ile)

Gene: MET (MET proto-oncogene, receptor tyrosine kinase; plus strand). Cytogenetic location: 7q31.2.
Variant type: single nucleotide variant.
Coding change: c.364G>A on transcript NM_000245.4 (MANE Select); coding-DNA position 364, G replaced by A.
Protein change: p.Val122Ile; replaces valine 122 with isoleucine.
Molecular consequence: missense variant. On other transcripts: intron variant (1).
Genome position (GRCh38, 1-based): chr7:116,699,448, G>A. VCF-style: chr7-116699448-G-A. GRCh37 (hg19) VCF-style: chr7-116339502-G-A.
Other names: c.364G>A, p.Val122Ile (NM_001127500.3, NM_001324401.3); c.-91+26871G>A (NM_001324402.2); short protein forms V122I.
Identifiers: ClinVar variation 1465720 (VCV001465720.14), dbSNP rs2116586974, ClinGen allele CA368968911.

ClinVar aggregate classification (germline): Conflicting classifications of pathogenicity. Review status: criteria provided, conflicting classifications (1 of 4 stars). 3 submissions from 3 submitters: Uncertain significance (2); Likely benign (1). Last evaluated 2025-10-18.

Conditions:
Renal cell carcinoma. Identifiers: Orphanet 217071, MedGen C0007134, MeSH D002292, MONDO:0005086, HP:0005584.
Hereditary cancer-predisposing syndrome. Also called: Tumor predisposition; Hereditary neoplastic syndrome; Hereditary Cancer Syndrome; Neoplastic Syndromes, Hereditary. Identifiers: Orphanet 140162, MedGen C0027672, MeSH D009386, MONDO:0015356.

Submissions (3):

Labcorp Genetics (formerly Invitae), Labcorp
Classification: Uncertain significance for Renal cell carcinoma. Last evaluated: 2025-10-18. Review status: criteria provided, single submitter. Criteria: Invitae Variant Classification Sherloc (09022015). Collection method: clinical testing. Allele origin: germline.
Comment: This sequence change replaces valine, which is neutral and non-polar, with isoleucine, which is neutral and non-polar, at codon 122 of the MET protein (p.Val122Ile). This variant is not present in population databases (gnomAD no frequency). This variant has not been reported in the literature in individuals affected with MET-related conditions. ClinVar contains an entry for this variant (Variation ID: 1465720). Invitae Evidence Modeling of protein sequence and biophysical properties (such as structural, functional, and spatial information, amino acid conservation, physicochemical variation, residue mobility, and thermodynamic stability) indicates that this missense variant is not expected to disrupt MET protein function with a negative predictive value of 80%. In summary, the available evidence is currently insufficient to determine the role of this variant in disease. Therefore, it has been classified as a Variant of Uncertain Significance.

Ambry Genetics
Classification: Likely benign for Hereditary cancer-predisposing syndrome. Last evaluated: 2024-09-28. Review status: criteria provided, single submitter. Criteria: Ambry Variant Classification Scheme 2023. Collection method: clinical testing. Allele origin: germline.

Revvity Omics, Revvity
Classification: Uncertain significance. Last evaluated: 2022-03-16. Review status: criteria provided, single submitter. Criteria: ACMG Guidelines, 2015. Collection method: clinical testing. Allele origin: germline.